The following is an entry in ClinVar:

NM_031476.4(CRISPLD2):c.1157-9T>C

Gene: CRISPLD2 (cysteine rich secretory protein LCCL domain containing 2; plus strand). Cytogenetic location: 16q24.1.
Variant type: single nucleotide variant.
Coding change: c.1157-9T>C on transcript NM_031476.4 (MANE Select); 9 bases into the intron before coding-DNA position 1157, T replaced by C.
Molecular consequence: intron variant.
Genome position (GRCh38, 1-based): chr16:84,877,429, T>C. VCF-style: chr16-84877429-T-C. GRCh37 (hg19) VCF-style: chr16-84911035-T-C.
Identifiers: ClinVar variation 3044664 (VCV003044664.2), dbSNP rs140729826, ClinGen allele CA8212000.

ClinVar aggregate classification (germline): Benign (0 of 4 stars; one submission).

Conditions:
CRISPLD2-related disorder. Also called: CRISPLD2-related condition.

Allele frequency attached by ClinVar (database versions not stated): gnomAD 0.00868; TOPMed 0.00894; ESP Exome Variant Server 0.00923; ExAC 0.01085; 1000 Genomes Project 30x 0.01280; 1000 Genomes Project 0.01358.
gnomAD v4.1: 15,364 of 1,613,420 alleles (0.95%); highest among the groups gnomAD compares: South Asian, 3.2%; 159 homozygotes.

Submission:

PreventionGenetics, part of Exact Sciences
Classification: Benign for CRISPLD2-related condition. Last evaluated: 2019-02-22. Review status: no assertion criteria provided. Collection method: clinical testing. Allele origin: germline.
Comment: This variant is classified as benign based on ACMG/AMP sequence variant interpretation guidelines (Richards et al. 2015 PMID: 25741868, with internal and published modifications).